The following is an entry in ClinVar:

ClinVar aggregate classification (germline): Likely pathogenic (1 of 4 stars; one submission).

Conditions:
Cockayne syndrome type 1. Also called: Cockayne syndrome type I; Cockayne syndrome classical; Cockayne syndrome classic form. Identifiers: Orphanet 191, Orphanet 90321, MedGen C0751039, MONDO:0019569, OMIM 216400.

Submission:

Myriad Genetics, Inc.
Classification: Likely pathogenic for Cockayne syndrome type 1. Last evaluated: 2021-12-06. Review status: criteria provided, single submitter. Criteria: Myriad Women's Health Autosomal Recessive and X-Linked Classification Criteria (2021). Collection method: clinical testing. Allele origin: unknown.
Comment: NM_000082.3(ERCC8):c.454_460dup7(T154Sfs*13) is expected to be pathogenic in the context of ERCC8-related disorders. This variant is predicted to lead to an abnormal or absent protein product due to the creation of a premature termination codon in ERCC8, a gene where loss-of-function variants are known to be pathogenic. Please note: this variant was assessed in the context of healthy population screening.

NM_000082.4(ERCC8):c.454_460dup (p.Thr154fs)

Gene: ERCC8 (ERCC excision repair 8, CSA ubiquitin ligase complex subunit; minus strand). Cytogenetic location: 5q12.1.
Variant type: Microsatellite.
Coding change: c.454_460dup on transcript NM_000082.4 (MANE Select); coding-DNA positions 454 to 460, 7 bases duplicated (GTCTCCA; older notation c.454_460dupGTCTCCA).
Protein change: p.Thr154fs; shifts the reading frame from threonine 154.
Molecular consequence: frameshift variant. On other transcripts: intron variant (1).
Genome position (GRCh38, 1-based): chr5:60,904,813-60,904,819, TGGAGAC duplicated on the plus strand (GTCTCCA on the coding strand, the reverse complement: ERCC8 is on the minus strand); duplicating any 7 consecutive bases within chr5:60,904,813-60,904,826 gives the same sequence; the c. name uses the placement nearest the transcript's 3' end. VCF-style (leftmost placement, unchanged base first): chr5-60904812-G-GTGGAGAC. GRCh37 (hg19) VCF-style: chr5-60200639-G-GTGGAGAC.
Other names: c.280_286dup, p.Thr96fs (NM_001007233.3); c.454_460dup, p.Thr154fs (NM_001007234.3); c.23-1110GTCTCCA[3] (NM_001290285.2); short protein forms T154fs, T96fs.
Identifiers: ClinVar variation 1725733 (VCV001725733.2), dbSNP rs2531802244, ClinGen allele CA2580613560.